The following is an entry in ClinVar:

ClinVar aggregate classification (germline): Uncertain significance. Review status: criteria provided, multiple submitters, no conflicts (2 of 4 stars). 2 submissions from 2 submitters: Uncertain significance (2). Last evaluated 2024-04-11.

Allele frequency attached by ClinVar (database versions not stated): gnomAD 0.00001; TOPMed 0.00002; ExAC 0.00007; 1000 Genomes Project 0.00020; 1000 Genomes Project 30x 0.00031.
gnomAD v4.1: 16 of 1,520,012 alleles (0.0011%); highest among the groups gnomAD compares: East Asian, 0.0025%; no homozygotes.

Submissions (2):

Labcorp Genetics (formerly Invitae), Labcorp
Classification: Uncertain significance. Last evaluated: 2024-04-11. Review status: criteria provided, single submitter. Criteria: Invitae Variant Classification Sherloc (09022015). Collection method: clinical testing. Allele origin: germline.
Comment: This sequence change replaces arginine, which is basic and polar, with tryptophan, which is neutral and slightly polar, at codon 24 of the PALM protein (p.Arg24Trp). This variant is present in population databases (rs566820585, gnomAD 0.007%). This variant has not been reported in the literature in individuals affected with PALM-related conditions. ClinVar contains an entry for this variant (Variation ID: 2296474). An algorithm developed to predict the effect of missense changes on protein structure and function (PolyPhen-2) suggests that this variant is likely to be tolerated. In summary, the available evidence is currently insufficient to determine the role of this variant in disease. Therefore, it has been classified as a Variant of Uncertain Significance.

Ambry Genetics
Classification: Uncertain significance. Last evaluated: 2022-06-24. Review status: criteria provided, single submitter. Criteria: Ambry Variant Classification Scheme 2023. Collection method: clinical testing. Allele origin: germline.

NM_002579.3(PALM):c.70C>T (p.Arg24Trp)

Gene: PALM (paralemmin; plus strand). Cytogenetic location: 19p13.3.
Variant type: single nucleotide variant.
Coding change: c.70C>T on transcript NM_002579.3 (MANE Select); coding-DNA position 70, C replaced by T.
Protein change: p.Arg24Trp; replaces arginine 24 with tryptophan.
Molecular consequence: missense variant.
Genome position (GRCh38, 1-based): chr19:727,020, C>T. VCF-style: chr19-727020-C-T. GRCh37 (hg19) VCF-style: chr19-727020-C-T.
Other names: c.70C>T, p.Arg24Trp (NM_001040134.2); short protein forms R24W.
Identifiers: ClinVar variation 2296474 (VCV002296474.4), dbSNP rs566820585, ClinGen allele CA9022416.
Genomic context (GRCh38, chr19:727,020, plus strand): 5'-TCCGGGACCCCCACGCCCATCCCTGACCCCACCCGGCCCTCCCCACAGGAGAAGCGGAAG[C>T]GGCAGGCGGAGATCGAGAACAAGCGCCGGCAGCTGGAGGACGAGCGGAGGCAGCTGCAGC-3'
Protein context (NP_002570.2, residues 14-34): RLQAIAEKRK[Arg24Trp]QAEIENKRRQ